The following is an entry in ClinVar:

NM_001134407.3(GRIN2A):c.2457delinsATTCTACATGCT (p.Val820fs)

Gene: GRIN2A (glutamate ionotropic receptor NMDA type subunit 2A; minus strand). Cytogenetic location: 16p13.2.
Variant type: Indel.
Coding change: c.2457delinsATTCTACATGCT on transcript NM_001134407.3 (MANE Select); coding-DNA position 2457, C replaced by ATTCTACATGCT.
Protein change: p.Val820fs; shifts the reading frame from valine 820.
Molecular consequence: frameshift variant.
Genome position (GRCh38, 1-based): chr16:9,768,989, G replaced by AGCATGTAGAAT on the plus strand (C replaced by ATTCTACATGCT on the coding strand, the reverse complement: GRIN2A is on the minus strand). VCF-style: chr16-9768989-G-AGCATGTAGAAT. GRCh37 (hg19) VCF-style: chr16-9862846-G-AGCATGTAGAAT.
Other names: c.2457delinsATTCTACATGCT, p.Val820fs (NM_000833.5, NM_001134408.2); short protein forms V820fs.
Identifiers: ClinVar variation 3775557 (VCV003775557.1).

ClinVar aggregate classification (germline): Likely pathogenic (1 of 4 stars; one submission).

Conditions:
Landau-Kleffner syndrome (FESD). Also called: EPILEPSY, FOCAL, WITH SPEECH DISORDER AND WITH OR WITHOUT MENTAL RETARDATION; APHASIA, ACQUIRED, WITH EPILEPSY. Identifiers: Orphanet 1945, Orphanet 725, Orphanet 98818, MedGen C0282512, MONDO:0009509, OMIM 245570.

Submission:

3billion
Classification: Likely pathogenic for Landau-Kleffner syndrome. Last evaluated: 2023-06-09. Review status: criteria provided, single submitter. Criteria: ACMG Guidelines, 2015. Collection method: clinical testing. Allele origin: germline. Affected: yes.
Comment: The variant is not observed in the gnomAD v2.1.1 dataset. Predicted Consequence/Location: Frameshift - predicted to result in a loss or disruption of normal protein function through nonsense-mediated decay (NMD) or protein truncation. Multiple pathogenic variants are reported downstream of the variant.Therefore, the variant is classified as likely pathogenic according to the recommendation of ACMG/AMP guideline.